The following is an entry in ClinVar:

ClinVar aggregate classification (germline): Uncertain significance. Review status: criteria provided, multiple submitters, no conflicts (2 of 4 stars). 3 submissions from 3 submitters: Uncertain significance (3). Last evaluated 2024-03-20.

Conditions:
Cataract 41 (CTRCT41). Also called: CATARACT 41, CONGENITAL NUCLEAR TYPE. Identifiers: Orphanet 91492, Orphanet 98991, Orphanet 98992, Orphanet 98995, MedGen C3805412, MONDO:0007287, OMIM 116400.
Autosomal dominant nonsyndromic hearing loss 6 (LFSNHL). Also called: DEAFNESS, AUTOSOMAL DOMINANT 6; DEAFNESS, AUTOSOMAL DOMINANT 14; DEAFNESS, AUTOSOMAL DOMINANT 38; Autosomal dominant nonsyndromic deafness 6. Identifiers: Orphanet 90635, MedGen C1833021, MONDO:0010963, OMIM 600965.
Type 2 diabetes mellitus. Also called: Type II diabetes mellitus. Identifiers: MedGen C0011860, MeSH D003924, MONDO:0005148, OMIM 125853, HP:0005978.
Wolfram-like syndrome. Also called: HEARING LOSS, PROGRESSIVE, WITH OPTIC ATROPHY AND/OR IMPAIRED GLUCOSE REGULATION. Identifiers: Orphanet 411590, MedGen C3280358, MONDO:0013673, OMIM 614296.
Wolfram syndrome 1 (WFS1). Identifiers: Orphanet 3463, MedGen C4551693, MONDO:0009101, OMIM 222300.

Allele frequency attached by ClinVar (database versions not stated): gnomAD 0.00001.

Submissions (3):

Labcorp Genetics (formerly Invitae), Labcorp
Classification: Uncertain significance. Last evaluated: 2024-03-20. Review status: criteria provided, single submitter. Criteria: Invitae Variant Classification Sherloc (09022015). Collection method: clinical testing. Allele origin: germline.
Comment: This sequence change replaces proline, which is neutral and non-polar, with alanine, which is neutral and non-polar, at codon 607 of the WFS1 protein (p.Pro607Ala). This variant is present in population databases (rs780471127, gnomAD 0.03%). This variant has not been reported in the literature in individuals affected with WFS1-related conditions. ClinVar contains an entry for this variant (Variation ID: 1523954). Advanced modeling of protein sequence and biophysical properties (such as structural, functional, and spatial information, amino acid conservation, physicochemical variation, residue mobility, and thermodynamic stability) has been performed at Invitae for this missense variant, however the output from this modeling did not meet the statistical confidence thresholds required to predict the impact of this variant on WFS1 protein function. In summary, the available evidence is currently insufficient to determine the role of this variant in disease. Therefore, it has been classified as a Variant of Uncertain Significance.

Blueprint Genetics
Classification: Uncertain significance. Last evaluated: 2023-09-22. Review status: criteria provided, single submitter. Criteria: ACMG Guidelines, 2015. Collection method: clinical testing. Allele origin: germline.

Fulgent Genetics
Classification: Uncertain significance for Cataract 41; Type 2 diabetes mellitus; Wolfram syndrome 1; Autosomal dominant nonsyndromic hearing loss 6; Wolfram-like syndrome. Last evaluated: 2021-08-18. Review status: criteria provided, single submitter. Criteria: ACMG Guidelines, 2015. Collection method: clinical testing. Allele origin: unknown.

NM_006005.3(WFS1):c.1819C>G (p.Pro607Ala)

Gene: WFS1 (wolframin ER transmembrane glycoprotein; plus strand). Cytogenetic location: 4p16.1.
Variant type: single nucleotide variant.
Coding change: c.1819C>G on transcript NM_006005.3 (MANE Select); coding-DNA position 1819, C replaced by G.
Protein change: p.Pro607Ala; replaces proline 607 with alanine.
Molecular consequence: missense variant.
Genome position (GRCh38, 1-based): chr4:6,301,614, C>G. VCF-style: chr4-6301614-C-G. GRCh37 (hg19) VCF-style: chr4-6303341-C-G.
Other names: c.1819C>G, p.Pro607Ala (NM_001145853.1); short protein forms P607A.
Identifiers: ClinVar variation 1523954 (VCV001523954.10), dbSNP rs780471127, ClinGen allele CA2839507.